The following is an entry in ClinVar:

ClinVar aggregate classification (germline): Uncertain significance (1 of 4 stars; one submission).

Conditions:
Hereditary nonpolyposis colorectal neoplasms. Identifiers: MedGen C0009405, MeSH D003123.

gnomAD v4.1: 1 of 1,611,764 alleles (0.000062%); highest among the groups gnomAD compares: Non-Finnish European, 0.000085%; no homozygotes.

Submission:

Labcorp Genetics (formerly Invitae), Labcorp
Classification: Uncertain significance for Hereditary nonpolyposis colorectal neoplasms. Last evaluated: 2023-06-05. Review status: criteria provided, single submitter. Criteria: Invitae Variant Classification Sherloc (09022015). Collection method: clinical testing. Allele origin: germline.
Comment: In summary, the available evidence is currently insufficient to determine the role of this variant in disease. Therefore, it has been classified as a Variant of Uncertain Significance. Advanced modeling of protein sequence and biophysical properties (such as structural, functional, and spatial information, amino acid conservation, physicochemical variation, residue mobility, and thermodynamic stability) performed at Invitae indicates that this missense variant is not expected to disrupt PMS2 protein function. This variant has not been reported in the literature in individuals affected with PMS2-related conditions. This variant is not present in population databases (gnomAD no frequency). This sequence change replaces alanine, which is neutral and non-polar, with proline, which is neutral and non-polar, at codon 127 of the PMS2 protein (p.Ala127Pro).

NM_000535.7(PMS2):c.379G>C (p.Ala127Pro)

Gene: PMS2 (PMS1 homolog 2, mismatch repair system component; minus strand). Cytogenetic location: 7p22.1.
Variant type: single nucleotide variant.
Coding change: c.379G>C on transcript NM_000535.7 (MANE Select); coding-DNA position 379, G replaced by C.
Protein change: p.Ala127Pro; replaces alanine 127 with proline.
Molecular consequence: missense variant. On other transcripts: 5 prime UTR variant (29), non-coding transcript variant (1), intron variant (1).
Genome position (GRCh38, 1-based): chr7:6,002,611, C>G on the plus strand (G>C on the coding strand, the complement: PMS2 is on the minus strand). VCF-style: chr7-6002611-C-G. GRCh37 (hg19) VCF-style: chr7-6042242-C-G.
Other names: c.-27G>C (NM_001018040.1, NM_001322003.2, NM_001322004.2 and 25 more transcripts); c.379G>C, p.Ala127Pro (NM_001322006.2, NM_001322014.2, NM_001406869.1 and 8 more transcripts); c.61G>C, p.Ala21Pro (NM_001322007.2, NM_001322008.2, NM_001406876.1 and 4 more transcripts); c.-506G>C (NM_001322011.2, NM_001322012.2); c.70G>C, p.Ala24Pro (NM_001322015.2, NM_001406875.1, NM_001406877.1 and 6 more transcripts); c.565G>C, p.Ala189Pro (NM_001406866.1); c.403G>C, p.Ala135Pro (NM_001406868.1); c.250+1361G>C (NM_001406885.1); short protein forms A127P, A24P, A21P, A135P, A189P.
Identifiers: ClinVar variation 2773144 (VCV002773144.3), dbSNP rs114090343, ClinGen allele CA366744466.